The following is an entry in ClinVar:

NM_001319074.4(RAX2):c.211G>A (p.Val71Met)

Gene: RAX2 (retina and anterior neural fold homeobox 2; minus strand). Cytogenetic location: 19p13.3.
Variant type: single nucleotide variant.
Coding change: c.211G>A on transcript NM_001319074.4 (MANE Select); coding-DNA position 211, G replaced by A.
Protein change: p.Val71Met; replaces valine 71 with methionine.
Molecular consequence: missense variant.
Genome position (GRCh38, 1-based): chr19:3,771,532, C>T on the plus strand (G>A on the coding strand, the complement: RAX2 is on the minus strand). VCF-style: chr19-3771532-C-T. GRCh37 (hg19) VCF-style: chr19-3771530-C-T.
Other names: c.211G>A, p.Val71Met (NM_032753.4); short protein forms V71M.
Identifiers: ClinVar variation 948288 (VCV000948288.13), dbSNP rs772852323, ClinGen allele CA9085086.
Genomic context (GRCh38, chr19:3,771,532, plus strand): 5'-GCTTTGCCTCCCTCCCCAGGTTGCAAAAGATGTGTGTGTTGGGGGGTGCCCTCACCTGCA[C>T]GCGCACCTCAGGTAGGTGCACCTTGGCTGCCAGCTCCTCACGGCTGTACACATCCGGGTA-3'
Protein context (NP_001306003.2, residues 61-81): AAKVHLPEVR[Val71Met]QVWFQNRRAK

ClinVar aggregate classification (germline): Uncertain significance. Review status: criteria provided, multiple submitters, no conflicts (2 of 4 stars). 4 submissions from 4 submitters: Uncertain significance (4). Last evaluated 2025-11-06.

Conditions:
RAX2-related disorder. Also called: RAX2-related condition; RAX2-related disorders.

Allele frequency attached by ClinVar (database versions not stated): gnomAD exomes 0.00001 and 0.00002; ExAC 0.00005; TOPMed 0.00005; gnomAD 0.00007 and 0.00009.

Submissions (4):

PreventionGenetics, part of Exact Sciences
Classification: Uncertain significance for RAX2-related condition. Last evaluated: 2025-11-06. Review status: criteria provided, single submitter. Criteria: ACMG Guidelines, 2015. Collection method: clinical testing. Allele origin: germline.
Comment: The RAX2 c.211G>A variant is predicted to result in the amino acid substitution p.Val71Met. To our knowledge, this variant has not been reported in the literature. This variant is present in 0.018% of alleles in individuals of African descent in gnomAD. At this time, the clinical significance of this variant is uncertain due to the absence of conclusive functional and genetic evidence.

Labcorp Genetics (formerly Invitae), Labcorp
Classification: Uncertain significance. Last evaluated: 2025-09-21. Review status: criteria provided, single submitter. Criteria: Invitae Variant Classification Sherloc (09022015). Collection method: clinical testing. Allele origin: germline.
Comment: This sequence change replaces valine, which is neutral and non-polar, with methionine, which is neutral and non-polar, at codon 71 of the RAX2 protein (p.Val71Met). The frequency data for this variant in the population databases is considered unreliable, as metrics indicate poor data quality at this position in the gnomAD database. This variant has not been reported in the literature in individuals affected with RAX2-related conditions. ClinVar contains an entry for this variant (Variation ID: 948288). An algorithm developed to predict the effect of missense changes on protein structure and function (PolyPhen-2) suggests that this variant is likely to be disruptive. In summary, the available evidence is currently insufficient to determine the role of this variant in disease. Therefore, it has been classified as a Variant of Uncertain Significance.

Blueprint Genetics
Classification: Uncertain significance. Last evaluated: 2024-07-30. Review status: criteria provided, single submitter. Criteria: ACMG Guidelines, 2015. Collection method: clinical testing. Allele origin: germline.

Ambry Genetics
Classification: Uncertain significance. Last evaluated: 2023-06-21. Review status: criteria provided, single submitter. Criteria: Ambry Variant Classification Scheme 2023. Collection method: clinical testing. Allele origin: germline.